The following is an entry in ClinVar:

NM_144997.7(FLCN):c.503G>C (p.Arg168Pro)

Gene: FLCN (folliculin; minus strand). Cytogenetic location: 17p11.2.
Variant type: single nucleotide variant.
Coding change: c.503G>C on transcript NM_144997.7 (MANE Select); coding-DNA position 503, G replaced by C.
Protein change: p.Arg168Pro; replaces arginine 168 with proline.
Molecular consequence: missense variant.
Genome position (GRCh38, 1-based): chr17:17,224,037, C>G on the plus strand (G>C on the coding strand, the complement: FLCN is on the minus strand). VCF-style: chr17-17224037-C-G. GRCh37 (hg19) VCF-style: chr17-17127351-C-G.
Other names: c.557G>C, p.Arg186Pro (NM_001353229.2); c.503G>C, p.Arg168Pro (NM_001353230.2, NM_001353231.2, NM_144606.7); short protein forms R168P, R186P.
Identifiers: ClinVar variation 4642937 (VCV004642937.1).

ClinVar aggregate classification (germline): Uncertain significance (1 of 4 stars; one submission).

Conditions:
Hereditary cancer-predisposing syndrome. Also called: Neoplastic Syndromes, Hereditary; Tumor predisposition; Hereditary Cancer Syndrome; Hereditary neoplastic syndrome. Identifiers: Orphanet 140162, MedGen C0027672, MeSH D009386, MONDO:0015356.

Submission:

Ambry Genetics
Classification: Uncertain significance for Hereditary cancer-predisposing syndrome. Last evaluated: 2025-10-03. Review status: criteria provided, single submitter. Criteria: Ambry Variant Classification Scheme 2023. Collection method: clinical testing. Allele origin: germline.
Comment: The p.R168P variant (also known as c.503G>C), located in coding exon 3 of the FLCN gene, results from a G to C substitution at nucleotide position 503. The arginine at codon 168 is replaced by proline, an amino acid with dissimilar properties. This amino acid position is conserved. In addition, this alteration is predicted to be deleterious by in silico analysis. Based on the available evidence, the clinical significance of this variant remains unclear.